The following is an entry in ClinVar:

NM_021982.3(SEC24A):c.1038G>A (p.Glu346=)

Gene: SEC24A (SEC24 homolog A, COPII component; plus strand). Cytogenetic location: 5q31.1.
Variant type: single nucleotide variant.
Coding change: c.1038G>A on transcript NM_021982.3 (MANE Select); coding-DNA position 1038, G replaced by A.
Protein change: p.Glu346=; no amino-acid change (glutamic acid 346 retained).
Molecular consequence: synonymous variant.
Genome position (GRCh38, 1-based): chr5:134,675,104, G>A. VCF-style: chr5-134675104-G-A. GRCh37 (hg19) VCF-style: chr5-134010794-G-A.
Other names: c.1038G>A, p.Glu346= (NM_001252231.2).
Identifiers: ClinVar variation 3389538 (VCV003389538.14).

ClinVar aggregate classification (germline): Likely benign (1 of 4 stars; one submission).

gnomAD v4.1: 1 of 1,612,486 alleles (0.000062%); no homozygotes.

Submission:

CeGaT Center for Human Genetics Tuebingen
Classification: Likely benign. Last evaluated: 2024-09-01. Review status: criteria provided, single submitter. Criteria: CeGaT Center For Human Genetics Tuebingen Variant Classification Criteria Version 2. Collection method: clinical testing. Allele origin: germline. Affected: yes. Observed: 1 variant allele.
Comment: SEC24A: BP4, BP7